The following is an entry in ClinVar:

NM_201384.3(PLEC):c.11824G>T (p.Ala3942Ser)

Gene: PLEC (plectin; minus strand). Cytogenetic location: 8q24.3.
Variant type: single nucleotide variant.
Coding change: c.11824G>T on transcript NM_201384.3 (MANE Select); coding-DNA position 11824, G replaced by T.
Protein change: p.Ala3942Ser; replaces alanine 3942 with serine.
Molecular consequence: missense variant.
Genome position (GRCh38, 1-based): chr8:143,917,997, C>A on the plus strand (G>T on the coding strand, the complement: PLEC is on the minus strand). VCF-style: chr8-143917997-C-A. GRCh37 (hg19) VCF-style: chr8-144992165-C-A.
Other names: c.11905G>T, p.Ala3969Ser (NM_000445.5); c.11782G>T, p.Ala3928Ser (NM_201378.4); c.11758G>T, p.Ala3920Ser (NM_201379.3); c.12235G>T, p.Ala4079Ser (NM_201380.4); c.11728G>T, p.Ala3910Ser (NM_201381.3); c.11824G>T, p.Ala3942Ser (NM_201382.4); c.11836G>T, p.Ala3946Ser (NM_201383.3); short protein forms A3942S, A3946S, A3969S, A3928S, A4079S, A3920S, A3910S.
Identifiers: ClinVar variation 1408890 (VCV001408890.8), dbSNP rs370908106, ClinGen allele CA372488051.

ClinVar aggregate classification (germline): Uncertain significance (1 of 4 stars; one submission).

Conditions:
Epidermolysis bullosa simplex 5C, with pyloric atresia (EBS5C). Also called: Epidermolysis bullosa simplex with pyloric atresia; PLEC-Related Epidermolysis Bullosa with Pyloric Atresia; PLEC1-Related Epidermolysis Bullosa with Pyloric Atresia. Identifiers: Orphanet 158684, MedGen C2677349, MONDO:0012807, OMIM 612138.
Epidermolysis bullosa simplex with nail dystrophy (EBS5D). Identifiers: MedGen C4225309, MONDO:0014661, OMIM 616487.
Epidermolysis bullosa simplex 5B, with muscular dystrophy (EBS5B). Also called: Epidermolysis bullosa simplex with muscular dystrophy; EPIDERMOLYSIS BULLOSA SIMPLEX AND LIMB-GIRDLE MUSCULAR DYSTROPHY. Identifiers: Orphanet 257, MedGen C2931072, MONDO:0009181, OMIM 226670.
Autosomal recessive limb-girdle muscular dystrophy type 2Q (LGMDR17). Also called: MUSCULAR DYSTROPHY, LIMB-GIRDLE, AUTOSOMAL RECESSIVE 17. Identifiers: Orphanet 254361, MedGen C3150989, MONDO:0013390, OMIM 613723.
Epidermolysis bullosa simplex, Ogna type (EBS5A). Also called: Pidermolysis bullosa simplex 5A, Ogna type; EPIDERMOLYSIS BULLOSA SIMPLEX 5A, OGNA TYPE. Identifiers: Orphanet 79401, MedGen C0432317, MONDO:0007555, OMIM 131950.

gnomAD v4.1: 4 of 1,612,208 alleles (0.00025%); highest among the groups gnomAD compares: Non-Finnish European, 0.00025%; no homozygotes.

Submission:

Labcorp Genetics (formerly Invitae), Labcorp
Classification: Uncertain significance for Autosomal recessive limb-girdle muscular dystrophy type 2Q; Epidermolysis bullosa simplex, Ogna type; Epidermolysis bullosa simplex with nail dystrophy; Epidermolysis bullosa simplex 5C, with pyloric atresia; Epidermolysis bullosa simplex 5B, with muscular dystrophy. Last evaluated: 2022-06-27. Review status: criteria provided, single submitter. Criteria: Invitae Variant Classification Sherloc (09022015). Collection method: clinical testing. Allele origin: germline.
Comment: This sequence change replaces alanine, which is neutral and non-polar, with serine, which is neutral and polar, at codon 3969 of the PLEC protein (p.Ala3969Ser). The frequency data for this variant in the population databases is considered unreliable, as metrics indicate poor data quality at this position in the gnomAD database. This variant has not been reported in the literature in individuals affected with PLEC-related conditions. Algorithms developed to predict the effect of missense changes on protein structure and function output the following: SIFT: "Tolerated"; PolyPhen-2: "Benign"; Align-GVGD: "Class C0". The serine amino acid residue is found in multiple mammalian species, which suggests that this missense change does not adversely affect protein function. In summary, the available evidence is currently insufficient to determine the role of this variant in disease. Therefore, it has been classified as a Variant of Uncertain Significance.